The following is an entry in ClinVar:

NM_016120.4(RLIM):c.1743C>A (p.Asn581Lys)

Gene: RLIM (ring finger protein, LIM domain interacting; minus strand). Cytogenetic location: Xq13.2.
Variant type: single nucleotide variant.
Coding change: c.1743C>A on transcript NM_016120.4 (MANE Select); coding-DNA position 1743, C replaced by A.
Protein change: p.Asn581Lys; replaces asparagine 581 with lysine.
Molecular consequence: missense variant.
Genome position (GRCh38, 1-based): chrX:74,591,572, G>T on the plus strand (C>A on the coding strand, the complement: RLIM is on the minus strand). VCF-style: chrX-74591572-G-T. GRCh37 (hg19) VCF-style: chrX-73811407-G-T.
Other names: c.1743C>A, p.Asn581Lys (NM_183353.3); short protein forms N581K.
Identifiers: ClinVar variation 3369474 (VCV003369474.1).
Genomic context (GRCh38, chrX:74,591,572, plus strand): 5'-TAACCAGCGATCGATGCAGTGGACATGGTACTCATGGGAACAAGGTAGTTTACGAAGTTT[G>T]TTGCCTTCTGTATATTCTGTAATGCAAACACTACAGGTTTTTAATGCATCATTTTCACCA-3'
Protein context (NP_057204.2, residues 571-591): SVCITEYTEG[Asn581Lys]KLRKLPCSHE

ClinVar aggregate classification (germline): Uncertain significance (1 of 4 stars; one submission).

Submission:

GeneDx
Classification: Uncertain significance. Last evaluated: 2024-02-28. Review status: criteria provided, single submitter. Criteria: GeneDx Variant Classification Process June 2021. Collection method: clinical testing. Allele origin: germline. Affected: yes.
Comment: Not observed at significant frequency in large population cohorts (gnomAD); In silico analysis supports that this missense variant has a deleterious effect on protein structure/function; Has not been previously published as pathogenic or benign to our knowledge